The following is an entry in ClinVar:

NM_007272.3(CTRC):c.736C>T (p.Arg246Cys)

Gene: CTRC (chymotrypsin C; plus strand). Cytogenetic location: 1p36.21.
Variant type: single nucleotide variant.
Coding change: c.736C>T on transcript NM_007272.3 (MANE Select); coding-DNA position 736, C replaced by T.
Protein change: p.Arg246Cys; replaces arginine 246 with cysteine.
Molecular consequence: missense variant.
Genome position (GRCh38, 1-based): chr1:15,445,693, C>T. VCF-style: chr1-15445693-C-T. GRCh37 (hg19) VCF-style: chr1-15772188-C-T.
Other names: short protein forms R246C.
Identifiers: ClinVar variation 292915 (VCV000292915.6), dbSNP rs200412314, ClinGen allele CA613456.

ClinVar aggregate classification (germline): Conflicting classifications of pathogenicity. Review status: criteria provided, conflicting classifications (1 of 4 stars). 2 submissions from 2 submitters: Uncertain significance (1); Likely benign (1). Last evaluated 2024-04-10.

Conditions:
Hereditary pancreatitis (PCTT). Also called: Hereditary chronic pancreatitis; PRSS1-Related Hereditary Pancreatitis. Identifiers: Orphanet 676, MedGen C0238339, MONDO:0008185, OMIM 167800.

Allele frequency attached by ClinVar (database versions not stated): TOPMed 0.00002; ExAC 0.00014; 1000 Genomes Project 30x 0.00016; gnomAD 0.00019; 1000 Genomes Project 0.00020; gnomAD exomes 0.00022.
gnomAD v4.1: 150 of 1,613,910 alleles (0.0093%); highest among the groups gnomAD compares: South Asian, 0.0044%; no homozygotes.

Submissions (2):

Ambry Genetics
Classification: Uncertain significance for Hereditary pancreatitis. Last evaluated: 2024-04-10. Review status: criteria provided, single submitter. Criteria: Ambry Variant Classification Scheme 2023. Collection method: clinical testing. Allele origin: germline.
Comment: The p.R246C variant (also known as c.736C>T), located in coding exon 7 of the CTRC gene, results from a C to T substitution at nucleotide position 736. The arginine at codon 246 is replaced by cysteine, an amino acid with highly dissimilar properties. This alteration was identified in an individual diagnosed with idiopathic pancreatitis (Cho SM et al. Ann Lab Med, 2016 Nov;36:555-60). This amino acid position is poorly conserved in available vertebrate species. In addition, this alteration is predicted to be tolerated by in silico analysis. Based on the available evidence, the clinical significance of this variant remains unclear.

Illumina Laboratory Services, Illumina
Classification: Likely benign for Hereditary pancreatitis. Last evaluated: 2018-01-12. Review status: criteria provided, single submitter. Criteria: ICSL Variant Classification Criteria 13 December 2019. Collection method: clinical testing. Allele origin: germline.
Comment: This variant was observed in the ICSL laboratory as part of a predisposition screen in an ostensibly healthy population. It had not been previously curated by ICSL or reported in the Human Gene Mutation Database (HGMD: prior to June 1st, 2018), and was therefore a candidate for classification through an automated scoring system. Utilizing variant allele frequency, disease prevalence and penetrance estimates, and inheritance mode, an automated score was calculated to assess if this variant is too frequent to cause the disease. Based on the score and internal cut-off values, a variant classified as likely benign is not then subjected to further curation. The score for this variant resulted in a classification of likely benign for this disease.

Literature cited by the submitters: PubMed 27578509 (cited by Ambry Genetics).